The following is an entry in ClinVar:

NM_020937.4(FANCM):c.1852G>A (p.Val618Ile)

Gene: FANCM (FA complementation group M; plus strand). Cytogenetic location: 14q21.2.
Variant type: single nucleotide variant.
Coding change: c.1852G>A on transcript NM_020937.4 (MANE Select); coding-DNA position 1852, G replaced by A.
Protein change: p.Val618Ile; replaces valine 618 with isoleucine.
Molecular consequence: missense variant.
Genome position (GRCh38, 1-based): chr14:45,167,013, G>A. VCF-style: chr14-45167013-G-A. GRCh37 (hg19) VCF-style: chr14-45636216-G-A.
Other names: c.1774G>A, p.Val592Ile (NM_001308133.2); c.1852G>A, p.Val618Ile (NM_001308134.2); short protein forms V592I, V618I.
Identifiers: ClinVar variation 4619446 (VCV004619446.1).

ClinVar aggregate classification (germline): Uncertain significance (1 of 4 stars; one submission).

Conditions:
Inborn genetic diseases. Identifiers: MedGen C0950123, MeSH D030342.

Submission:

Ambry Genetics
Classification: Uncertain significance for Inborn genetic diseases. Last evaluated: 2025-09-22. Review status: criteria provided, single submitter. Criteria: Ambry Variant Classification Scheme 2023. Collection method: clinical testing. Allele origin: germline.
Comment: The p.V618I variant (also known as c.1852G>A), located in coding exon 11 of the FANCM gene, results from a G to A substitution at nucleotide position 1852. The valine at codon 618 is replaced by isoleucine, an amino acid with highly similar properties. This amino acid position is conserved. In addition, this alteration is predicted to be tolerated by in silico analysis. Based on the available evidence, the clinical significance of this variant remains unclear.